The following is an entry in ClinVar:

ClinVar aggregate classification (germline): Pathogenic (1 of 4 stars; one submission).

Conditions:
KBG syndrome (KBGS). Also called: ANKRD11-Related KBG Syndrome. Identifiers: Orphanet 2332, MedGen C0220687, MONDO:0007846, OMIM 148050.

Submission:

Groupe Hospitalier Pitie Salpetriere, Uf Genomique Du Developpement, Assistance Publique Hopitaux de Paris Sorbonne Université
Classification: Pathogenic for KBG syndrome. Last evaluated: 2017-01-06. Review status: criteria provided, single submitter. Criteria: ACMG Guidelines, 2015. Collection method: clinical testing. Allele origin: de novo. Affected: yes. Observed: 1 variant allele.
Comment: Intellectual disability, moderate; myoclonia; leukemia

Literature cited by the submitters: PubMed 28708303.

NM_013275.6(ANKRD11):c.2647G>T (p.Glu883Ter)

Gene: ANKRD11 (ankyrin repeat domain 11; minus strand). Cytogenetic location: 16q24.3.
Variant type: single nucleotide variant.
Coding change: c.2647G>T on transcript NM_013275.6 (MANE Select); coding-DNA position 2647, G replaced by T.
Protein change: p.Glu883Ter; replaces glutamic acid 883 with a stop codon.
Molecular consequence: nonsense.
Genome position (GRCh38, 1-based): chr16:89,283,895, C>A on the plus strand (G>T on the coding strand, the complement: ANKRD11 is on the minus strand). VCF-style: chr16-89283895-C-A. GRCh37 (hg19) VCF-style: chr16-89350303-C-A.
Other names: c.2647G>T, p.Glu883Ter (NM_001256182.2, NM_001256183.2); short protein forms E883*.
Identifiers: ClinVar variation 431133 (VCV000431133.3), dbSNP rs1135401804, ClinGen allele CA397161845.
Genomic context (GRCh38, chr16:89,283,895, plus strand): 5'-GCTCTCTGTAGTCTCGCTTCTCCCGGGCCCGGCTGTCCCGCCTCCTCTCCTTGCTGTCCT[C>A]CTTCACCGTCTCCAAGATGAGCTTGGCCACAGAGTCGCTCTTCATGTCCCTGTAGTCTGT-3'